The following is an entry in ClinVar:

NM_003124.5(SPR):c.436C>A (p.Pro146Thr)

Gene: SPR (sepiapterin reductase; plus strand). Cytogenetic location: 2p13.2.
Variant type: single nucleotide variant.
Coding change: c.436C>A on transcript NM_003124.5 (MANE Select); coding-DNA position 436, C replaced by A.
Protein change: p.Pro146Thr; replaces proline 146 with threonine.
Molecular consequence: missense variant.
Genome position (GRCh38, 1-based): chr2:72,888,445, C>A. VCF-style: chr2-72888445-C-A. GRCh37 (hg19) VCF-style: chr2-73115574-C-A.
Other names: short protein forms P146T.
Identifiers: ClinVar variation 642830 (VCV000642830.8), dbSNP rs1573882367, ClinGen allele CA347231684.

ClinVar aggregate classification (germline): Uncertain significance (1 of 4 stars; one submission).

Conditions:
Dystonic disorder. Also called: Dystonia. Identifiers: MedGen C0013421, MONDO:0003441, HP:0001332.

Submission:

Labcorp Genetics (formerly Invitae), Labcorp
Classification: Uncertain significance for Dystonic disorder. Last evaluated: 2022-07-11. Review status: criteria provided, single submitter. Criteria: Invitae Variant Classification Sherloc (09022015). Collection method: clinical testing. Allele origin: germline.
Comment: ClinVar contains an entry for this variant (Variation ID: 642830). This sequence change replaces proline, which is neutral and non-polar, with threonine, which is neutral and polar, at codon 146 of the SPR protein (p.Pro146Thr). This variant is not present in population databases (gnomAD no frequency). This variant has not been reported in the literature in individuals affected with SPR-related conditions. Algorithms developed to predict the effect of missense changes on protein structure and function (SIFT, PolyPhen-2, Align-GVGD) all suggest that this variant is likely to be disruptive. In summary, the available evidence is currently insufficient to determine the role of this variant in disease. Therefore, it has been classified as a Variant of Uncertain Significance.